The following is an entry in ClinVar:

NM_000256.3(MYBPC3):c.2470G>C (p.Asp824His)

Gene: MYBPC3 (myosin binding protein C3; minus strand). Cytogenetic location: 11p11.2.
Variant type: single nucleotide variant.
Coding change: c.2470G>C on transcript NM_000256.3 (MANE Select); coding-DNA position 2470, G replaced by C.
Protein change: p.Asp824His; replaces aspartic acid 824 with histidine.
Molecular consequence: missense variant.
Genome position (GRCh38, 1-based): chr11:47,337,523, C>G on the plus strand (G>C on the coding strand, the complement: MYBPC3 is on the minus strand). VCF-style: chr11-47337523-C-G. GRCh37 (hg19) VCF-style: chr11-47359074-C-G.
Other names: p.Asp824His; short protein forms D824H.
Identifiers: ClinVar variation 4541619 (VCV004541619.1).
Genomic context (GRCh38, chr11:47,337,523, plus strand): 5'-TCTCGTACACCACGCCCTCGATCATGCGCCGCGCTTCATGACTCAGCTCCTGAATCAGGT[C>G]GAAGTTCAGCCGCATCCACCGGTAGCTCTTCTTCTTCTTGCGCTCCAGGATGTAGCCTGG-3'
Protein context (NP_000247.2, residues 814-834): KSYRWMRLNF[Asp824His]LIQELSHEAR

ClinVar aggregate classification (germline): Uncertain significance (1 of 4 stars; one submission).

Submission:

Mayo Clinic Laboratories, Mayo Clinic
Classification: Uncertain significance. Last evaluated: 2025-02-16. Review status: criteria provided, single submitter. Criteria: ACMG Guidelines, 2015. Collection method: clinical testing. Allele origin: germline. Observed: 1 variant allele.
Comment: PM2_supporting